The following is an entry in ClinVar:

ClinVar aggregate classification (germline): Conflicting classifications of pathogenicity. Review status: criteria provided, conflicting classifications (1 of 4 stars). 5 submissions from 5 submitters: Uncertain significance (1); Likely benign (3). 1 of the submissions does not count toward it. Last evaluated 2025-02-27.

Conditions:
TJP2-related disorder. Also called: TJP2-related condition.

Allele frequency attached by ClinVar (database versions not stated): gnomAD 0.00002 and 0.00005; TOPMed 0.00008; 1000 Genomes Project 0.00080; 1000 Genomes Project 30x 0.00109.
gnomAD v4.1: 87 of 1,612,890 alleles (0.0054%); highest among the groups gnomAD compares: East Asian, 0.18%; no homozygotes.

Submissions (5):

Labcorp Genetics (formerly Invitae), Labcorp
Classification: Likely benign. Last evaluated: 2025-02-27. Review status: criteria provided, single submitter. Criteria: Invitae Variant Classification Sherloc (09022015). Collection method: clinical testing. Allele origin: germline.

Blueprint Genetics
Classification: Likely benign. Last evaluated: 2022-07-25. Review status: criteria provided, single submitter. Criteria: ACMG Guidelines, 2015. Collection method: clinical testing. Allele origin: germline.

GeneDx
Classification: Likely benign. Last evaluated: 2020-12-15. Review status: criteria provided, single submitter. Criteria: GeneDx Variant Classification Process June 2021. Collection method: clinical testing. Allele origin: germline. Affected: yes.

Eurofins Ntd Llc (ga)
Classification: Uncertain significance. Last evaluated: 2017-10-13. Review status: criteria provided, single submitter. Criteria: EGL Classification Definitions 2015. Collection method: clinical testing. Allele origin: germline. Observed: 2 variant alleles, 2 heterozygotes.

PreventionGenetics, part of Exact Sciences
Classification: Likely benign for TJP2-related condition. Last evaluated: 2024-08-20. Review status: no assertion criteria provided. Collection method: clinical testing. Allele origin: germline. Not counted in ClinVar's aggregate classification.
Comment: This variant is classified as likely benign based on ACMG/AMP sequence variant interpretation guidelines (Richards et al. 2015 PMID: 25741868, with internal and published modifications).

NM_004817.4(TJP2):c.2832G>A (p.Pro944=)

Gene: TJP2 (tight junction protein 2; plus strand). Cytogenetic location: 9q21.11.
Variant type: single nucleotide variant.
Coding change: c.2832G>A on transcript NM_004817.4 (MANE Select); coding-DNA position 2832, G replaced by A.
Protein change: p.Pro944=; no amino-acid change (proline 944 retained).
Molecular consequence: synonymous variant. On other transcripts: intron variant (1).
Genome position (GRCh38, 1-based): chr9:69,248,176, G>A. VCF-style: chr9-69248176-G-A. GRCh37 (hg19) VCF-style: chr9-71863092-G-A.
Other names: c.2832G>A, p.Pro944= (LRG_1201t1, NM_001369872.1, NM_201629.3); c.2763G>A, p.Pro921= (NM_001170414.2, NM_001369871.1); c.2844G>A, p.Pro948= (NM_001170415.1, NM_001369874.1, NM_001369875.1); c.2925G>A, p.Pro975= (NM_001170416.2); c.2757G>A, p.Pro919= (NM_001369870.1); c.2667+1386G>A (NM_001369873.1).
Identifiers: ClinVar variation 497295 (VCV000497295.16), dbSNP rs191634088, ClinGen allele CA5073778.